The following is an entry in ClinVar:

NM_000074.3(CD40LG):c.542G>A (p.Arg181Gln)

Gene: CD40LG (CD40 ligand; plus strand). Cytogenetic location: Xq26.3.
Variant type: single nucleotide variant.
Coding change: c.542G>A on transcript NM_000074.3 (MANE Select); coding-DNA position 542, G replaced by A.
Protein change: p.Arg181Gln; replaces arginine 181 with glutamine.
Molecular consequence: missense variant.
Genome position (GRCh38, 1-based): chrX:136,659,171, G>A. VCF-style: chrX-136659171-G-A. GRCh37 (hg19) VCF-style: chrX-135741330-G-A.
Other names: p.Arg181Gln; short protein forms R181Q.
Identifiers: ClinVar variation 530672 (VCV000530672.14), dbSNP rs11575982, ClinGen allele CA10528155.

ClinVar aggregate classification (germline): Benign/Likely benign. Review status: criteria provided, multiple submitters, no conflicts (2 of 4 stars). 3 submissions from 3 submitters: Benign (2); Likely benign (1). Last evaluated 2026-02-04.

Conditions:
Hyper-IgM syndrome type 1. Also called: CD40 Ligand Deficiency; X-linked hyper-IgM syndrome; Immunodeficiency, X-linked, with hyper-IgM; Hyper-IgM Immunodeficiency Syndrome, Type 1. Identifiers: Orphanet 101088, MedGen C0398689, MONDO:0010626, OMIM 308230.

Allele frequency attached by ClinVar (database versions not stated): TOPMed 0.00010; 1000 Genomes Project 0.00583; 1000 Genomes Project 30x 0.00624.
gnomAD v4.1: 1,003 of 1,209,778 alleles (0.083%); highest among the groups gnomAD compares: South Asian, 1.5%; 6 homozygotes.

Submissions (3):

Labcorp Genetics (formerly Invitae), Labcorp
Classification: Benign for Hyper-IgM syndrome type 1. Last evaluated: 2026-02-04. Review status: criteria provided, single submitter. Criteria: Invitae Variant Classification Sherloc (09022015). Collection method: clinical testing. Allele origin: germline.

Blueprint Genetics
Classification: Likely benign. Last evaluated: 2024-11-13. Review status: criteria provided, single submitter. Criteria: ACMG Guidelines, 2015. Collection method: clinical testing. Allele origin: germline.

Mayo Clinic Laboratories, Mayo Clinic
Classification: Benign. Last evaluated: 2023-09-06. Review status: criteria provided, single submitter. Criteria: ACMG Guidelines, 2015. Collection method: clinical testing. Allele origin: germline. Observed: 2 variant alleles.
Comment: BS1, BS2, BP4

Literature cited by the submitters: PubMed 29303623 (cited by Mayo Clinic Laboratories, Mayo Clinic).